The following is an entry in ClinVar:

NM_012232.6(CAVIN1):c.843G>A (p.Leu281=)

Gene: CAVIN1 (caveolae associated protein 1; minus strand). Cytogenetic location: 17q21.2.
Variant type: single nucleotide variant.
Coding change: c.843G>A on transcript NM_012232.6 (MANE Select); coding-DNA position 843, G replaced by A.
Protein change: p.Leu281=; no amino-acid change (leucine 281 retained).
Molecular consequence: synonymous variant.
Genome position (GRCh38, 1-based): chr17:42,405,017, C>T on the plus strand (G>A on the coding strand, the complement: CAVIN1 is on the minus strand). VCF-style: chr17-42405017-C-T. GRCh37 (hg19) VCF-style: chr17-40557035-C-T.
Other names: p.Leu281=.
Identifiers: ClinVar variation 130056 (VCV000130056.20), dbSNP rs35648297, ClinGen allele CA154817.

ClinVar aggregate classification (germline): Benign/Likely benign. Review status: criteria provided, multiple submitters, no conflicts (2 of 4 stars). 7 submissions from 7 submitters: Benign (4); Likely benign (2). 1 of the submissions does not count toward it. Last evaluated 2026-01-31.

Conditions:
Congenital generalized lipodystrophy type 4. Also called: BERARDINELLI-SEIP CONGENITAL LIPODYSTROPHY, TYPE 4, WITH MUSCULAR DYSTROPHY. Identifiers: Orphanet 228429, MedGen C2750069, MONDO:0013225, OMIM 613327.

Allele frequency attached by ClinVar (database versions not stated): gnomAD exomes 0.00299 and 0.00590; ExAC 0.00624; gnomAD 0.01560 and 0.01677; ESP Exome Variant Server 0.01638; 1000 Genomes Project 0.01737; TOPMed 0.01833; 1000 Genomes Project 30x 0.01952.
gnomAD v4.1: 7,031 of 1,614,166 alleles (0.44%); highest among the groups gnomAD compares: African/African-American, 4.9%; 124 homozygotes.

Submissions (7):

Labcorp Genetics (formerly Invitae), Labcorp
Classification: Benign. Last evaluated: 2026-01-31. Review status: criteria provided, single submitter. Criteria: Invitae Variant Classification Sherloc (09022015). Collection method: clinical testing. Allele origin: germline.

Athena Diagnostics
Classification: Benign. Last evaluated: 2025-10-27. Review status: criteria provided, single submitter. Criteria: Athena Diagnostics Criteria. Collection method: clinical testing. Allele origin: unknown.
Comment: The frequency of this variant in the general population is higher than would generally be expected for pathogenic variants in this gene.

GeneDx
Classification: Likely benign. Last evaluated: 2021-08-12. Review status: criteria provided, single submitter. Criteria: GeneDx Variant Classification Process June 2021. Collection method: clinical testing. Allele origin: germline. Affected: yes.

Mayo Clinic Laboratories, Mayo Clinic
Classification: Benign. Last evaluated: 2021-06-28. Review status: criteria provided, single submitter. Criteria: ACMG Guidelines, 2015. Collection method: clinical testing. Allele origin: germline. Observed: 37 variant alleles.

Illumina Laboratory Services, Illumina
Classification: Benign for Congenital generalized lipodystrophy type 4. Last evaluated: 2018-01-13. Review status: criteria provided, single submitter. Criteria: ICSL Variant Classification Criteria 13 December 2019. Collection method: clinical testing. Allele origin: germline.
Comment: This variant was observed in the ICSL laboratory as part of a predisposition screen in an ostensibly healthy population. It had not been previously curated by ICSL or reported in the Human Gene Mutation Database (HGMD: prior to June 1st, 2018), and was therefore a candidate for classification through an automated scoring system. Utilizing variant allele frequency, disease prevalence and penetrance estimates, and inheritance mode, an automated score was calculated to assess if this variant is too frequent to cause the disease. Based on the score and internal cut-off values, a variant classified as benign is not then subjected to further curation. The score for this variant resulted in a classification of benign for this disease.

Breakthrough Genomics
Classification: Likely benign. Review status: criteria provided, single submitter. Criteria: ACMG Guidelines, 2015. Collection method: not provided. Allele origin: germline. Inheritance: Autosomal recessive inheritance. Affected: yes.

Genetic Services Laboratory, University of Chicago
Classification: Likely benign for AllHighlyPenetrant. Review status: no assertion criteria provided. Collection method: clinical testing. Allele origin: germline. Inheritance: Autosomal recessive inheritance. Not counted in ClinVar's aggregate classification.
Comment: Likely benign based on allele frequency in 1000 Genomes Project or ESP global frequency and its presence in a patient with a rare or unrelated disease phenotype. NOT Sanger confirmed.